The following is an entry in ClinVar:

NM_001122955.4(BSCL2):c.835C>T (p.Arg279Cys)

Genes: BSCL2 (BSCL2 lipid droplet biogenesis associated, seipin; minus strand), HNRNPUL2-BSCL2 (HNRNPUL2-BSCL2 readthrough (NMD candidate); minus strand). Cytogenetic location: 11q12.3.
Variant type: single nucleotide variant.
Coding change: c.835C>T on transcript NM_001122955.4 (MANE Select); coding-DNA position 835, C replaced by T.
Protein change: p.Arg279Cys; replaces arginine 279 with cysteine.
Molecular consequence: missense variant. On other transcripts: non-coding transcript variant (1).
Genome position (GRCh38, 1-based): chr11:62,692,404, G>A on the plus strand (C>T on the coding strand, the complement: BSCL2 is on the minus strand). VCF-style: chr11-62692404-G-A. GRCh37 (hg19) VCF-style: chr11-62459876-G-A.
Other names: p.Arg215Cys; c.643C>T, p.Arg215Cys (NM_001130702.2, NM_032667.6); c.835C>T, p.Arg279Cys (NM_001386027.1, NM_001386028.1); short protein forms R215C, R279C.
Identifiers: ClinVar variation 952139 (VCV000952139.7), dbSNP rs759231362, ClinGen allele CA6053441.

ClinVar aggregate classification (germline): Uncertain significance. Review status: criteria provided, multiple submitters, no conflicts (2 of 4 stars). 4 submissions from 4 submitters: Uncertain significance (4). Last evaluated 2025-07-29.

Conditions:
Inborn genetic diseases. Identifiers: MedGen C0950123, MeSH D030342.
Severe neurodegenerative syndrome with lipodystrophy. Also called: ENCEPHALOPATHY, PROGRESSIVE, WITH LIPODYSTROPHY; Encephalopathy, progressive, with or without lipodystrophy. Identifiers: Orphanet 363400, MedGen C4014700, MONDO:0014402, OMIM 615924.
Charcot-Marie-Tooth disease type 2. Also called: Charcot-Marie-Tooth type 2. Identifiers: Orphanet 64746, MedGen C0270914, MONDO:0018993.

Allele frequency attached by ClinVar (database versions not stated): ExAC 0.00001; gnomAD exomes 0.00004 and 0.00001; TOPMed 0.00004; gnomAD 0.00002 and 0.00001.
gnomAD v4.1: 52 of 1,614,036 alleles (0.0032%); highest among the groups gnomAD compares: Non-Finnish European, 0.0042%; no homozygotes.

Submissions (4):

3billion
Classification: Uncertain significance for Severe neurodegenerative syndrome with lipodystrophy. Last evaluated: 2025-07-29. Review status: criteria provided, single submitter. Criteria: ACMG Guidelines, 2015. Collection method: clinical testing. Allele origin: germline. Affected: yes.
Comment: The variant is observed at an extremely low frequency in the gnomAD v4.1.0 dataset (total allele frequency: 0.003%). Predicted Consequence/Location: Missense variant. The majority of the known disease-causing variants of this gene are variants expected to result in premature termination of the protein. Damaging effect on gene or gene product predicted by in silico programs is uncertain [REVEL: 0.40 (damaging >=0.6, benign <0.4)]. The variant has been reported as of uncertain significance (ClinVar ID: VCV000952139). Different missense changes at the same codon have been reported as of uncertain significance (ClinVar ID: VCV001355585, VCV002957028). Therefore, this variant is classified as VUS according to the recommendation of ACMG/AMP guideline.

Ambry Genetics
Classification: Uncertain significance for Inborn genetic diseases. Last evaluated: 2024-12-28. Review status: criteria provided, single submitter. Criteria: Ambry Variant Classification Scheme 2023. Collection method: clinical testing. Allele origin: germline.

Mayo Clinic Laboratories, Mayo Clinic
Classification: Uncertain significance. Last evaluated: 2021-09-20. Review status: criteria provided, single submitter. Criteria: ACMG Guidelines, 2015. Collection method: clinical testing. Allele origin: germline.

Labcorp Genetics (formerly Invitae), Labcorp
Classification: Uncertain significance for Charcot-Marie-Tooth disease type 2. Last evaluated: 2019-07-10. Review status: criteria provided, single submitter. Criteria: Invitae Variant Classification Sherloc (09022015). Collection method: clinical testing. Allele origin: germline.
Comment: This sequence change replaces arginine with cysteine at codon 215 of the BSCL2 protein (p.Arg215Cys). The arginine residue is highly conserved and there is a large physicochemical difference between arginine and cysteine. This variant is present in population databases (rs759231362, ExAC 0.002%). This variant has not been reported in the literature in individuals with BSCL2-related conditions. Algorithms developed to predict the effect of missense changes on protein structure and function output the following: SIFT: "Deleterious"; PolyPhen-2: "Benign"; Align-GVGD: "Class C35". The cysteine amino acid residue is found in multiple mammalian species, suggesting that this missense change does not adversely affect protein function. These predictions have not been confirmed by published functional studies and their clinical significance is uncertain. In summary, the available evidence is currently insufficient to determine the role of this variant in disease. Therefore, it has been classified as a Variant of Uncertain Significance.